The following is an entry in ClinVar:

NM_005159.5(ACTC1):c.232A>G (p.Ile78Val)

Genes: ACTC1 (actin alpha cardiac muscle 1; minus strand), GJD2-DT (GJD2 divergent transcript; plus strand). Cytogenetic location: 15q14.
Variant type: single nucleotide variant.
Coding change: c.232A>G on transcript NM_005159.5 (MANE Select); coding-DNA position 232, A replaced by G.
Protein change: p.Ile78Val; replaces isoleucine 78 with valine.
Molecular consequence: missense variant. On other transcripts: 5 prime UTR variant (1).
Genome position (GRCh38, 1-based): chr15:34,793,467, T>C on the plus strand (A>G on the coding strand, the complement: ACTC1 is on the minus strand). VCF-style: chr15-34793467-T-C. GRCh37 (hg19) VCF-style: chr15-35085668-T-C.
Other names: c.232A>G, p.Ile78Val (NM_001406482.1, NM_001406483.1); c.97A>G, p.Ile33Val (NM_001406484.1); c.-157A>G (NM_001406485.1); short protein forms I33V, I78V.
Identifiers: ClinVar variation 3387053 (VCV003387053.1).
Genomic context (GRCh38, chr15:34,793,467, plus strand): 5'-CACGGAGCTCATTGTAGAAGGTGTGGTGCCAGATCTTCTCCATGTCGTCCCAGTTGGTGA[T>C]GATACCATGCTCGATGGGATACTTCAGGGTCAGGATGCCTCTCTTGCTCTGGGCTTCATC-3'
Protein context (NP_005150.1, residues 68-88): TLKYPIEHGI[Ile78Val]TNWDDMEKIW

ClinVar aggregate classification (germline): Uncertain significance (1 of 4 stars; one submission).

Conditions:
Hypertrophic cardiomyopathy. Also called: HYPERTROPHIC MYOCARDIOPATHY. Identifiers: Orphanet 217569, MedGen C0007194, MeSH D002312, MONDO:0005045, HP:0001639.

Submission:

All of Us Research Program, National Institutes of Health
Classification: Uncertain significance for Hypertrophic cardiomyopathy. Last evaluated: 2024-03-05. Review status: criteria provided, single submitter. Criteria: ACMG Guidelines, 2015. Collection method: clinical testing. Allele origin: germline. Inheritance: Autosomal dominant inheritance. Observed: 1 variant allele, 1 heterozygote.
Comment: This study involves interpretation of variants in research participants for the purpose of population health screening. Participant phenotype was not available at the time of variant classification. Additional details can be found in publication PMID: 35346344, PMCID: PMC8962531